The following is an entry in ClinVar:

ClinVar aggregate classification (germline): Pathogenic. Review status: criteria provided, multiple submitters, no conflicts (2 of 4 stars). 14 submissions from 14 submitters: Pathogenic (13). 1 of the submissions does not count toward it. Last evaluated 2026-02-17.

Conditions:
Inherited breast cancer and ovarian cancer.
Ataxia-telangiectasia syndrome (AT). Also called: LOUIS-BAR SYNDROME; Ataxia-telangiectasia, complementation group D; Ataxia telangiectasia (A-T); AT, COMPLEMENTATION GROUP C; ATAXIA-TELANGIECTASIA, COMPLEMENTATION GROUP A; ATAXIA-TELANGIECTASIA, FRESNO VARIANT. Identifiers: Orphanet 100, MedGen C0004135, MONDO:0008840, OMIM 208900.
Familial cancer of breast. Also called: hereditary breast carcinoma; BREAST CANCER, FAMILIAL; Hereditary breast cancer. Identifiers: Orphanet 227535, MedGen C0346153, MONDO:0016419, OMIM 114480. Disease mechanism: loss of function.
Hereditary cancer-predisposing syndrome. Also called: Tumor predisposition; Neoplastic Syndromes, Hereditary; Hereditary Cancer Syndrome; Hereditary neoplastic syndrome. Identifiers: Orphanet 140162, MedGen C0027672, MeSH D009386, MONDO:0015356.

Allele frequency attached by ClinVar (database versions not stated): gnomAD exomes below 0.00001; ExAC 0.00001; gnomAD 0.00001; 1000 Genomes Project 30x 0.00016; 1000 Genomes Project 0.00020.
gnomAD v4.1: 2 of 1,613,214 alleles (0.00012%); highest among the groups gnomAD compares: Non-Finnish European, 0.00017%; no homozygotes.

Submissions (14):

Genetics Laboratory, Great Ormond Street Hospital NHS Foundation Trust, North Thames Genomic Laboratory Hub
Classification: Pathogenic for Inherited breast cancer and ovarian cancer. Last evaluated: 2026-02-17. Review status: criteria provided, single submitter. Criteria: CanVIG ATM Gene Specific V1.2. Collection method: clinical testing. Allele origin: germline. Affected: yes.
Comment: PM2_supporting, PVS1_very-strong, PM5_supporting

Labcorp Genetics (formerly Invitae), Labcorp
Classification: Pathogenic for Ataxia-telangiectasia syndrome. Last evaluated: 2026-01-28. Review status: criteria provided, single submitter. Criteria: Invitae Variant Classification Sherloc (09022015). Collection method: clinical testing. Allele origin: germline.
Comment: This sequence change creates a premature translational stop signal (p.Gln268*) in the ATM gene. It is expected to result in an absent or disrupted protein product. Loss-of-function variants in ATM are known to be pathogenic (PMID: 23807571, 25614872). This variant is present in population databases (rs557012154, gnomAD 0.0009%). This premature translational stop signal has been observed in individual(s) with ataxia-telangiectasia (PMID: 10330348, 12552559). ClinVar contains an entry for this variant (Variation ID: 188961). Studies have shown that this premature translational stop signal is associated with inconclusive levels of altered splicing (internal data). For these reasons, this variant has been classified as Pathogenic.

Catlab - Consorci Sanitari de Terrassa
Classification: Pathogenic for Hereditary cancer-predisposing syndrome. Last evaluated: 2025-11-30. Review status: criteria provided, single submitter. Criteria: ClinGen HBOP ACMG Specifications ATM V1.4.0. Collection method: clinical testing. Allele origin: germline.
Comment: Based on the currently available information, this variant is classified as Pathogenic according to ClinGen-ATM v1.4.0 guidelines. ACMG criteria: PVS1, PM3_very strong, PM2_supp, PM5_supp.

Institute of Immunology and Genetics Kaiserslautern
Classification: Pathogenic for Ataxia-telangiectasia syndrome. Last evaluated: 2025-01-14. Review status: criteria provided, single submitter. Criteria: ACMG Guidelines, 2015. Collection method: clinical testing. Allele origin: germline. Affected: yes.
Comment: ACMG Criteria: PVS1, PM2, PM3, PP1, PP5; Variant was found in heterozygous state

Ambry Genetics
Classification: Pathogenic for Hereditary cancer-predisposing syndrome. Last evaluated: 2024-07-29. Review status: criteria provided, single submitter. Criteria: Ambry Variant Classification Scheme 2023. Collection method: clinical testing. Allele origin: germline.
Comment: The p.Q268* pathogenic mutation (also known as c.802C>T), located in coding exon 6 of the ATM gene, results from a C to T substitution at nucleotide position 802. This changes the amino acid from a glutamine to a stop codon within coding exon 6. This mutation has been previously identified in ataxia-telangiectasia patients (Teraoka SN et al. Am. J. Hum. Genet. 1999 Jun;64:1617-31; Buzin CH et al. Hum. Mutat. 2003 Feb;21:123-31). In addition to the clinical data presented in the literature, this alteration is expected to result in loss of function by premature protein truncation or nonsense-mediated mRNA decay. As such, this alteration is interpreted as a disease-causing mutation.

Natera, Inc.
Classification: Pathogenic for Ataxia-telangiectasia. Last evaluated: 2024-05-07. Review status: criteria provided, single submitter. Criteria: Natera Variant Classification Schema (03/2026). Collection method: clinical testing. Allele origin: germline.
Comment: The c.802C>T variant in ATM is a nonsense variant predicted to introduce a stop codon at amino acid 268. This variant is expected to result in nonsense mediated decay, truncation, or a dysfunctional protein product. This variant is rare in the general population with a frequency below the threshold expected for the associated phenotype(s). This variant has been observed in one or more individuals affected with the associated recessive disease, as either homozygous or compound heterozygous with a second variant (PMID: 27664052). Given the available evidence, this variant is classified as Pathogenic.

Fulgent Genetics
Classification: Pathogenic for Familial cancer of breast; Ataxia-telangiectasia syndrome. Last evaluated: 2024-02-28. Review status: criteria provided, single submitter. Criteria: ACMG Guidelines, 2015. Collection method: clinical testing. Allele origin: germline.

Baylor Genetics
Classification: Pathogenic for Familial cancer of breast. Last evaluated: 2024-01-16. Review status: criteria provided, single submitter. Criteria: ACMG Guidelines, 2015. Collection method: clinical testing. Allele origin: unknown.

Color Diagnostics, LLC DBA Color Health
Classification: Pathogenic for Hereditary cancer-predisposing syndrome. Last evaluated: 2024-01-16. Review status: criteria provided, single submitter. Criteria: ACMG Guidelines, 2015. Collection method: clinical testing. Allele origin: germline.
Comment: This variant changes 1 nucleotide in exon 7 of the ATM gene, creating a premature translation stop signal. This variant is expected to result in an absent or non-functional protein product. This variant has been observed in multiple individuals affected with autosomal recessive ataxia telangiectasia in the compound heterozygous state with a second pathogenic variant (PMID: 10330348, 12552559, 27664052, 35284771), indicating that this variant contributes to disease. This variant has been identified in 1/251050 chromosomes in the general population by the Genome Aggregation Database (gnomAD). Loss of ATM function is a known mechanism of disease. Based on the available evidence, this variant is classified as Pathogenic.

Myriad Genetics, Inc.
Classification: Pathogenic for Familial cancer of breast. Last evaluated: 2024-01-11. Review status: criteria provided, single submitter. Criteria: Myriad Autosomal Dominant, Autosomal Recessive and X-Linked Classification Criteria (2023). Collection method: clinical testing. Allele origin: unknown.
Comment: This variant is considered pathogenic. This variant creates a termination codon and is predicted to result in premature protein truncation.

CeGaT Center for Human Genetics Tuebingen
Classification: Pathogenic. Last evaluated: 2023-10-01. Review status: criteria provided, single submitter. Criteria: CeGaT Center For Human Genetics Tuebingen Variant Classification Criteria Version 2. Collection method: clinical testing. Allele origin: germline. Affected: yes. Observed: 3 variant alleles.
Comment: ATM: PVS1, PM2

GeneDx
Classification: Pathogenic. Last evaluated: 2022-06-14. Review status: criteria provided, single submitter. Criteria: GeneDx Variant Classification Process June 2021. Collection method: clinical testing. Allele origin: germline. Affected: yes.
Comment: Predicted to result in protein truncation or nonsense mediated decay, either by premature stop or splice defect, in a gene for which loss-of-function is a known mechanism of disease (Teraoka 1999); Published functional studies demonstrate a damaging effect: loss of kinase activity (Carranza 2017); Not observed at a significant frequency in large population cohorts (gnomAD); This variant is associated with the following publications: (PMID: 25525159, 12552559, 27664052, 10330348, 35284771)

Women's Health and Genetics/Laboratory Corporation of America, LabCorp
Classification: Pathogenic for Ataxia-telangiectasia syndrome. Last evaluated: 2022-01-27. Review status: criteria provided, single submitter. Criteria: LabCorp Variant Classification Summary - May 2015. Collection method: clinical testing. Allele origin: germline.
Comment: Variant summary: ATM c.802C>T (p.Gln268X) results in a premature termination codon, predicted to cause a truncation of the encoded protein or absence of the protein due to nonsense mediated decay, which are commonly known mechanisms for disease. Truncations downstream of this position have been classified as pathogenic by our laboratory. The variant allele was found at a frequency of 7.8e-06 in 255540 control chromosomes (gnomAD). c.802C>T has been reported in the literature in compound heterozygous individuals affected with Ataxia-Telangiectasia (examples: Teraoka_1999, Buzin_2003 and Carranza_2017). These data indicate that the variant is associated with disease. Functional analysis using nested-PCR cDNAs of a cell line containing this variant showed missplicing of exon 9 (Teraoka_1999). The effect was the partial skipping of the exon. Four clinical diagnostic laboratories have submitted clinical-significance assessments for this variant to ClinVar after 2014 and all classified the variant as pathogenic. Based on the evidence outlined above, the variant was classified as pathogenic.

Counsyl
Classification: Likely pathogenic for Ataxia-telangiectasia syndrome. Last evaluated: 2014-09-10. Review status: no assertion criteria provided. Collection method: literature only. Allele origin: unknown. Inheritance: Autosomal recessive inheritance. Not counted in ClinVar's aggregate classification.

Literature cited by the submitters: PubMed 23807571 (cited by Labcorp Genetics (formerly Invitae), Labcorp); PubMed 25614872 (cited by Labcorp Genetics (formerly Invitae), Labcorp); PubMed 10330348 (cited by 4 submitters); PubMed 12552559 (cited by 4 submitters); PubMed 27664052 (cited by 3 submitters); PubMed 35284771 (cited by Color Diagnostics, LLC DBA Color Health); PubMed 19781682 (cited by Women's Health and Genetics/Laboratory Corporation of America, LabCorp and Counsyl); PubMed 16832357 (cited by Women's Health and Genetics/Laboratory Corporation of America, LabCorp and Counsyl); PubMed 9121450 (cited by Counsyl).

NM_000051.4(ATM):c.802C>T (p.Gln268Ter)

Gene: ATM (ATM serine/threonine kinase; plus strand). Cytogenetic location: 11q22.3.
Variant type: single nucleotide variant.
Coding change: c.802C>T on transcript NM_000051.4 (MANE Select); coding-DNA position 802, C replaced by T.
Protein change: p.Gln268Ter; replaces glutamine 268 with a stop codon.
Molecular consequence: nonsense.
Genome position (GRCh38, 1-based): chr11:108,244,927, C>T. VCF-style: chr11-108244927-C-T. GRCh37 (hg19) VCF-style: chr11-108115654-C-T.
Other names: c.802C>T, p.Gln268Ter (NM_001351834.2); short protein forms Q268*.
Identifiers: ClinVar variation 188961 (VCV000188961.60), dbSNP rs557012154, ClinGen allele CA274188.